The following is an entry in ClinVar:

ClinVar aggregate classification (germline): Pathogenic (1 of 4 stars; one submission).

Conditions:
Fanconi anemia (FA). Also called: Fanconi's anemia. Identifiers: Orphanet 84, MedGen C0015625, MeSH D005199, MONDO:0019391.

Submission:

Labcorp Genetics (formerly Invitae), Labcorp
Classification: Pathogenic for Fanconi anemia. Last evaluated: 2022-06-20. Review status: criteria provided, single submitter. Criteria: Invitae Variant Classification Sherloc (09022015). Collection method: clinical testing. Allele origin: germline.
Comment: For these reasons, this variant has been classified as Pathogenic. This variant has not been reported in the literature in individuals affected with FANCI-related conditions. This variant is not present in population databases (gnomAD no frequency). This sequence change creates a premature translational stop signal (p.Asp783Leufs*26) in the FANCI gene. It is expected to result in an absent or disrupted protein product. Loss-of-function variants in FANCI are known to be pathogenic (PMID: 17452773, 17460694).

Literature cited by the submitters: PubMed 17452773; PubMed 17460694.

NM_001113378.2(FANCI):c.2346_2347insTT (p.Asp783fs)

Gene: FANCI (FA complementation group I; plus strand). Cytogenetic location: 15q26.1.
Variant type: Insertion.
Coding change: c.2346_2347insTT on transcript NM_001113378.2 (MANE Select); coding-DNA positions 2346 to 2347, TT inserted.
Protein change: p.Asp783fs; shifts the reading frame from aspartic acid 783.
Molecular consequence: frameshift variant.
Genome position: GRCh38 VCF-style: chr15-89293886-C-CTT. GRCh37 (hg19) VCF-style: chr15-89837117-C-CTT.
Other names: c.2067_2068insTT, p.Asp690fs (NM_001376910.1); c.2346_2347insTT, p.Asp783fs (NM_001376911.1, NM_018193.3); short protein forms D690fs, D783fs.
Identifiers: ClinVar variation 1410191 (VCV001410191.6), dbSNP rs2151740576, ClinGen allele CA2573151352.
Genomic context (GRCh38, chr15:89,293,886, plus strand): 5'-TTTACAGTAAGAATAGGTTTGAGGACATTCTGAGCTTATTTATGTGTTACAAAAAACTCT[C>CTT]TGACATTCTTAATGAAAAAGCGGGTAAAGCCAAAACTAAAATGGCCAACAAGACAAGTGA-3'